The following is an entry in ClinVar:

NM_003285.3(TNR):c.1577C>T (p.Pro526Leu)

Gene: TNR (tenascin R; minus strand). Cytogenetic location: 1q25.1.
Variant type: single nucleotide variant.
Coding change: c.1577C>T on transcript NM_003285.3 (MANE Select); coding-DNA position 1577, C replaced by T.
Protein change: p.Pro526Leu; replaces proline 526 with leucine.
Molecular consequence: missense variant.
Genome position (GRCh38, 1-based): chr1:175,386,232, G>A on the plus strand (C>T on the coding strand, the complement: TNR is on the minus strand). VCF-style: chr1-175386232-G-A. GRCh37 (hg19) VCF-style: chr1-175355368-G-A.
Other names: c.578C>T, p.Pro193Leu (NM_001328635.2); short protein forms P193L, P526L.
Identifiers: ClinVar variation 2364392 (VCV002364392.2), dbSNP rs138087244, ClinGen allele CA1255897.

ClinVar aggregate classification (germline): Uncertain significance (1 of 4 stars; one submission).

Conditions:
Inborn genetic diseases. Identifiers: MedGen C0950123, MeSH D030342.

Allele frequency attached by ClinVar (database versions not stated): ExAC 0.00007; gnomAD 0.00009; TOPMed 0.00012; gnomAD exomes 0.00014; ESP Exome Variant Server 0.00023.
gnomAD v4.1: 213 of 1,607,164 alleles (0.013%); highest among the groups gnomAD compares: Non-Finnish European, 0.017%; no homozygotes.

Submission:

Ambry Genetics
Classification: Uncertain significance for Inborn genetic diseases. Last evaluated: 2021-03-17. Review status: criteria provided, single submitter. Criteria: Ambry Variant Classification Scheme 2023. Collection method: clinical testing. Allele origin: germline.
Comment: The c.1577C>T (p.P526L) alteration is located in exon 8 (coding exon 6) of the TNR gene. This alteration results from a C to T substitution at nucleotide position 1577, causing the proline (P) at amino acid position 526 to be replaced by a leucine (L). The in silico prediction for the p.P526L alteration is inconclusive. Based on insufficient or conflicting evidence, the clinical significance of this alteration remains unclear.